The following is an entry in ClinVar:

NM_000051.4(ATM):c.8638G>T (p.Glu2880Ter)

Genes: C11orf65 (chromosome 11 open reading frame 65; minus strand), ATM (ATM serine/threonine kinase; plus strand). Cytogenetic location: 11q22.3.
Variant type: single nucleotide variant.
Coding change: c.8638G>T on transcript NM_000051.4 (MANE Select); coding-DNA position 8638, G replaced by T.
Protein change: p.Glu2880Ter; replaces glutamic acid 2880 with a stop codon.
Molecular consequence: nonsense. On other transcripts: intron variant (2).
Genome position (GRCh38, 1-based): chr11:108,347,332, G>T. VCF-style: chr11-108347332-G-T. GRCh37 (hg19) VCF-style: chr11-108218059-G-T.
Other names: c.8638G>T, p.Glu2880Ter (NM_001351834.2); c.641-38261C>A (NM_001330368.2); c.695-12040C>A (NM_001351110.2); short protein forms E2880*.
Identifiers: ClinVar variation 3254333 (VCV003254333.1), dbSNP rs771930635.

ClinVar aggregate classification (germline): Pathogenic (1 of 4 stars; one submission).

Conditions:
Familial cancer of breast. Also called: hereditary breast carcinoma; BREAST CANCER, FAMILIAL; Hereditary breast cancer. Identifiers: Orphanet 227535, MedGen C0346153, MONDO:0016419, OMIM 114480. Disease mechanism: loss of function.

Allele frequency attached by ClinVar (database versions not stated): gnomAD exomes below 0.00001; ExAC 0.00001.
gnomAD v4.1: 3 of 1,611,038 alleles (0.00019%); highest among the groups gnomAD compares: South Asian, 0.0033%; no homozygotes.

Submission:

Myriad Genetics, Inc.
Classification: Pathogenic for Familial cancer of breast. Last evaluated: 2024-06-12. Review status: criteria provided, single submitter. Criteria: Myriad Autosomal Dominant, Autosomal Recessive and X-Linked Classification Criteria (2023). Collection method: clinical testing. Allele origin: unknown.
Comment: This variant is considered pathogenic. This variant creates a termination codon and is predicted to result in premature protein truncation.